The following is an entry in ClinVar:

ClinVar aggregate classification (germline): Likely benign. Review status: criteria provided, multiple submitters, no conflicts (2 of 4 stars). 2 submissions from 2 submitters: Likely benign (2). Last evaluated 2025-08-31.

Conditions:
Inborn genetic diseases. Identifiers: MedGen C0950123, MeSH D030342.

Allele frequency attached by ClinVar (database versions not stated): ExAC 0.00002; gnomAD exomes 0.00004; TOPMed 0.00005; gnomAD 0.00008.
gnomAD v4.1: 66 of 1,613,874 alleles (0.0041%); highest among the groups gnomAD compares: East Asian, 0.0067%; no homozygotes.

Submissions (2):

Ambry Genetics
Classification: Likely benign for Inborn genetic diseases. Last evaluated: 2025-08-31. Review status: criteria provided, single submitter. Criteria: Ambry Variant Classification Scheme 2023. Collection method: clinical testing. Allele origin: germline.

CeGaT Center for Human Genetics Tuebingen
Classification: Likely benign. Last evaluated: 2022-04-01. Review status: criteria provided, single submitter. Criteria: CeGaT Center For Human Genetics Tuebingen Variant Classification Criteria Version 2. Collection method: clinical testing. Allele origin: germline. Affected: yes. Observed: 1 variant allele.
Comment: ATP8A2: BP4

NM_016529.6(ATP8A2):c.998C>T (p.Ala333Val)

Gene: ATP8A2 (ATPase phospholipid transporting 8A2). Cytogenetic location: 13q12.13.
Variant type: single nucleotide variant.
Coding change: c.998C>T on transcript NM_016529.6 (MANE Select); coding-DNA position 998, C replaced by T.
Protein change: p.Ala333Val; replaces alanine 333 with valine.
Molecular consequence: missense variant.
Genome position (GRCh38, 1-based): chr13:25,551,444, C>T. VCF-style: chr13-25551444-C-T. GRCh37 (hg19) VCF-style: chr13-26125582-C-T.
Other names: c.998C>T (NM_016529.4); c.878C>T, p.Ala293Val (NM_001313741.1); c.998C>T, p.Ala333Val (NM_001411005.1, NM_001411006.1); short protein forms A293V, A333V.
Identifiers: ClinVar variation 2643702 (VCV002643702.25), dbSNP rs573104527, ClinGen allele CA6922764.
Genomic context (GRCh38, chr13:25,551,444, plus strand): 5'-CTAACGTGCAGATCCTGGTGTTGTTTGGCATCCTCTTGGTCATGGCCTTGGTGAGCTCGG[C>T]GGGGGCCCTGTACTGGAACAGGTCTCATGGTGAAAAGAACTGGTACATCAAGAAGATGGG-3'
Protein context (NP_057613.4, residues 323-343): ILLVMALVSS[Ala333Val]GALYWNRSHG